The following is an entry in ClinVar:

ClinVar aggregate classification (germline): Uncertain significance (0 of 4 stars; one submission).

Conditions:
NIPBL-related disorder. Also called: NIPBL-related condition.

Allele frequency attached by ClinVar (database versions not stated): gnomAD exomes below 0.00001.
gnomAD v4.1: 3 of 1,613,642 alleles (0.00019%); highest among the groups gnomAD compares: Non-Finnish European, 0.00025%; no homozygotes.

Submission:

PreventionGenetics, part of Exact Sciences
Classification: Uncertain significance for NIPBL-related condition. Last evaluated: 2024-09-06. Review status: no assertion criteria provided. Collection method: clinical testing. Allele origin: germline.
Comment: The NIPBL c.1378T>C variant is predicted to result in the amino acid substitution p.Ser460Pro. To our knowledge, this variant has not been reported in the literature or in a large population database, indicating this variant is rare. At this time, the clinical significance of this variant is uncertain due to the absence of conclusive functional and genetic evidence.

NM_133433.4(NIPBL):c.1378T>C (p.Ser460Pro)

Gene: NIPBL (NIPBL cohesin loading factor; plus strand). Cytogenetic location: 5p13.2.
Variant type: single nucleotide variant.
Coding change: c.1378T>C on transcript NM_133433.4 (MANE Select); coding-DNA position 1378, T replaced by C.
Protein change: p.Ser460Pro; replaces serine 460 with proline.
Molecular consequence: missense variant.
Genome position (GRCh38, 1-based): chr5:36,976,285, T>C. VCF-style: chr5-36976285-T-C. GRCh37 (hg19) VCF-style: chr5-36976387-T-C.
Other names: c.1378T>C, p.Ser460Pro (NM_015384.5); short protein forms S460P.
Identifiers: ClinVar variation 3029541 (VCV003029541.2), dbSNP rs2479129544, ClinGen allele CA359486988.